The following is an entry in ClinVar:

NM_199420.4(POLQ):c.5977T>C (p.Cys1993Arg)

Gene: POLQ (DNA polymerase theta; minus strand). Cytogenetic location: 3q13.33.
Variant type: single nucleotide variant.
Coding change: c.5977T>C on transcript NM_199420.4 (MANE Select); coding-DNA position 5977, T replaced by C.
Protein change: p.Cys1993Arg; replaces cysteine 1993 with arginine.
Molecular consequence: missense variant.
Genome position (GRCh38, 1-based): chr3:121,481,806, A>G on the plus strand (T>C on the coding strand, the complement: POLQ is on the minus strand). VCF-style: chr3-121481806-A-G. GRCh37 (hg19) VCF-style: chr3-121200653-A-G.
Other names: short protein forms C1993R.
Identifiers: ClinVar variation 3308720 (VCV003308720.1).
Genomic context (GRCh38, chr3:121,481,806, plus strand): 5'-GAAAACTGGTAACTATGCTATGAAGAGTCGGCTCCTGAGAATCTGGATCTAGTAACCAGC[A>G]TGCCACCTGAATGGGATAGCAATGAGAATATTTTCCTGATTTTTTTCAAAGACACTTATG-3'
Protein context (NP_955452.3, residues 1983-2003): EQSYEDPKVA[Cys1993Arg]WLLDPDSQEP

ClinVar aggregate classification (germline): Uncertain significance (1 of 4 stars; one submission).

Submission:

Ambry Genetics
Classification: Uncertain significance. Last evaluated: 2024-06-07. Review status: criteria provided, single submitter. Criteria: Ambry Variant Classification Scheme 2023. Collection method: clinical testing. Allele origin: germline.
Comment: The p.C1993R variant (also known as c.5977T>C), located in coding exon 19 of the POLQ gene, results from a T to C substitution at nucleotide position 5977. The cysteine at codon 1993 is replaced by arginine, an amino acid with highly dissimilar properties. This amino acid position is conserved. In addition, the in silico prediction for this alteration is inconclusive. Based on the available evidence, the clinical significance of this variant remains unclear.